The following is an entry in ClinVar:

ClinVar aggregate classification (germline): Uncertain significance. Review status: criteria provided, multiple submitters, no conflicts (2 of 4 stars). 2 submissions from 2 submitters: Uncertain significance (2). Last evaluated 2025-12-26.

Conditions:
Dystonia 28, childhood-onset (DYT28). Also called: KMT2B-Related Dystonia (DYT-KMT2B). Identifiers: Orphanet 589618, MedGen C4310633, MONDO:0015004, OMIM 617284.
Inborn genetic diseases. Identifiers: MedGen C0950123, MeSH D030342.

Allele frequency attached by ClinVar (database versions not stated): TOPMed below 0.00001; gnomAD exomes below 0.00001.
gnomAD v4.1: 2 of 1,232,394 alleles (0.00016%); highest among the groups gnomAD compares: East Asian, 0.0065%; no homozygotes.

Submissions (2):

3billion
Classification: Uncertain significance for Dystonia 28, childhood-onset. Last evaluated: 2025-12-26. Review status: criteria provided, single submitter. Criteria: ACMG Guidelines, 2015. Collection method: clinical testing. Allele origin: germline. Affected: yes.
Comment: The variant is observed at an extremely low frequency in the gnomAD v4.1.0 dataset (total allele frequency: <0.001%). Predicted Consequence/Location: Missense variant Damaging effect on gene or gene product predicted by in silico programs is uncertain [REVEL: 0.48 (damaging >=0.6, benign <0.4), 3Cnet: 0.00 (damaging >0.75, benign <0.1)]. The variant has been reported as of uncertain significance (ClinVar ID: VCV002547753) Therefore, this variant is classified as VUS according to the recommendation of ACMG/AMP guideline.

Ambry Genetics
Classification: Uncertain significance for Inborn genetic diseases. Last evaluated: 2025-06-11. Review status: criteria provided, single submitter. Criteria: Ambry Variant Classification Scheme 2023. Collection method: clinical testing. Allele origin: germline.

NM_014727.3(KMT2B):c.280G>A (p.Gly94Arg)

Gene: KMT2B (lysine methyltransferase 2B; plus strand). Cytogenetic location: 19q13.12.
Variant type: single nucleotide variant.
Coding change: c.280G>A on transcript NM_014727.3 (MANE Select); coding-DNA position 280, G replaced by A.
Protein change: p.Gly94Arg; replaces glycine 94 with arginine.
Molecular consequence: missense variant.
Genome position (GRCh38, 1-based): chr19:35,718,298, G>A. VCF-style: chr19-35718298-G-A. GRCh37 (hg19) VCF-style: chr19-36209200-G-A.
Other names: short protein forms G94R.
Identifiers: ClinVar variation 2547753 (VCV002547753.4), dbSNP rs1969034660, ClinGen allele CA405375481.